The following is an entry in ClinVar:

NM_000198.4(HSD3B2):c.2T>A (p.Met1Lys)

Genes: HSD3B2 (hydroxy-delta-5-steroid dehydrogenase, 3 beta- and steroid delta-isomerase 2; plus strand), LOC109029530 (HSD3B2 5' regulatory region; plus strand). Cytogenetic location: 1p12.
Variant type: single nucleotide variant.
Coding change: c.2T>A on transcript NM_000198.4 (MANE Select); coding-DNA position 2, T replaced by A.
Protein change: p.Met1Lys; changes the start codon (methionine 1).
Molecular consequence: missense variant, initiator codon variant.
Genome position (GRCh38, 1-based): chr1:119,415,421, T>A. VCF-style: chr1-119415421-T-A. GRCh37 (hg19) VCF-style: chr1-119958044-T-A.
Other names: c.2T>A, p.Met1Lys (NM_001166120.2); short protein forms M1K.
Identifiers: ClinVar variation 4817897 (VCV004817897.1).

ClinVar aggregate classification (germline): Likely pathogenic (1 of 4 stars; one submission).

Conditions:
3 beta-Hydroxysteroid dehydrogenase deficiency. Also called: 3b-hydroxysteroid dehydrogenase deficiency; ADRENAL HYPERPLASIA, CONGENITAL, DUE TO 3-BETA-HYDROXYSTEROID DEHYDROGENASE 2 DEFICIENCY; Congenital adrenal hyperplasia due to 3-beta-hydroxysteroid dehydrogenase deficiency; 3-BETA-HSD DEFICIENCY; ADRENAL HYPERPLASIA II. Identifiers: Orphanet 90791, MedGen C0342471, MeSH C538236, MONDO:0008727, OMIM 201810. Disease mechanism: loss of function.

Submission:

Natera, Inc.
Classification: Likely pathogenic for 3 beta hydroxysteroid dehydrogenase deficiency. Last evaluated: 2024-12-27. Review status: criteria provided, single submitter. Criteria: Natera Variant Classification Schema (03/2026). Collection method: clinical testing. Allele origin: germline.
Comment: The c.2T>A variant in HSD3B2 is predicted to result in start loss due to disruption of the initiator methionine. This variant is expected to result in nonsense mediated decay, truncation, or a dysfunctional protein product. This variant is rare in the general population with a frequency below the threshold expected for the associated phenotype(s). Given the available evidence, this variant is classified as Likely Pathogenic.